The following is an entry in ClinVar:

ClinVar aggregate classification (germline): Uncertain significance. Review status: criteria provided, multiple submitters, no conflicts (2 of 4 stars). 2 submissions from 2 submitters: Uncertain significance (2). Last evaluated 2024-08-07.

Conditions:
Inborn genetic diseases. Identifiers: MedGen C0950123, MeSH D030342.

Allele frequency attached by ClinVar (database versions not stated): gnomAD exomes below 0.00001.
gnomAD v4.1: 2 of 1,613,998 alleles (0.00012%); highest among the groups gnomAD compares: Non-Finnish European, 0.00017%; no homozygotes.

Submissions (2):

Ambry Genetics
Classification: Uncertain significance for Inborn genetic diseases. Last evaluated: 2024-08-07. Review status: criteria provided, single submitter. Criteria: Ambry Variant Classification Scheme 2023. Collection method: clinical testing. Allele origin: germline.
Comment: The p.Q1073H variant (also known as c.3219A>T), located in coding exon 16 of the ATR gene, results from an A to T substitution at nucleotide position 3219. The glutamine at codon 1073 is replaced by histidine, an amino acid with highly similar properties. This amino acid position is conserved. In addition, the in silico prediction for this alteration is inconclusive. Based on the available evidence, the clinical significance of this variant remains unclear.

Labcorp Genetics (formerly Invitae), Labcorp
Classification: Uncertain significance. Last evaluated: 2022-05-15. Review status: criteria provided, single submitter. Criteria: Invitae Variant Classification Sherloc (09022015). Collection method: clinical testing. Allele origin: germline.
Comment: In summary, the available evidence is currently insufficient to determine the role of this variant in disease. Therefore, it has been classified as a Variant of Uncertain Significance. Algorithms developed to predict the effect of missense changes on protein structure and function are either unavailable or do not agree on the potential impact of this missense change (SIFT: "Tolerated"; PolyPhen-2: "Probably Damaging"; Align-GVGD: "Class C0"). This variant has not been reported in the literature in individuals affected with ATR-related conditions. This variant is not present in population databases (gnomAD no frequency). This sequence change replaces glutamine, which is neutral and polar, with histidine, which is basic and polar, at codon 1073 of the ATR protein (p.Gln1073His).

NM_001184.4(ATR):c.3219A>T (p.Gln1073His)

Gene: ATR (ATR checkpoint kinase; minus strand). Cytogenetic location: 3q23.
Variant type: single nucleotide variant.
Coding change: c.3219A>T on transcript NM_001184.4 (MANE Select); coding-DNA position 3219, A replaced by T.
Protein change: p.Gln1073His; replaces glutamine 1073 with histidine.
Molecular consequence: missense variant.
Genome position (GRCh38, 1-based): chr3:142,547,863, T>A on the plus strand (A>T on the coding strand, the complement: ATR is on the minus strand). VCF-style: chr3-142547863-T-A. GRCh37 (hg19) VCF-style: chr3-142266705-T-A.
Other names: c.3219A>T (NM_001184.3); c.3027A>T, p.Gln1009His (NM_001354579.2); short protein forms Q1009H, Q1073H.
Identifiers: ClinVar variation 1959026 (VCV001959026.6), dbSNP rs2108451635, ClinGen allele CA354810854.